The following is an entry in ClinVar:

ClinVar aggregate classification (germline): Uncertain significance (1 of 4 stars; one submission).

Conditions:
Pfeiffer syndrome (ACS5). Also called: ACS V. Identifiers: Orphanet 710, MedGen C0220658, MONDO:0007043, OMIM 101600.
Hypogonadotropic hypogonadism 2 with or without anosmia (HH2). Also called: FGFR1-Related GnRH Deficiency (Kallmann Syndrome 2); HYPOGONADOTROPIC HYPOGONADISM 2 WITH OR WITHOUT ANOSMIA, SUSCEPTIBILITY TO; HYPOGONADOTROPIC HYPOGONADISM 2 WITHOUT ANOSMIA; HYPOGONADOTROPIC HYPOGONADISM 2 WITHOUT ANOSMIA, SUSCEPTIBILITY TO. Identifiers: Orphanet 478, MedGen C1563720, MONDO:0007844, OMIM 147950. Disease mechanism: loss of function.

Submission:

Labcorp Genetics (formerly Invitae), Labcorp
Classification: Uncertain significance for Pfeiffer syndrome; Hypogonadotropic hypogonadism 2 with or without anosmia. Last evaluated: 2024-10-11. Review status: criteria provided, single submitter. Criteria: Invitae Variant Classification Sherloc (09022015). Collection method: clinical testing. Allele origin: germline.
Comment: This sequence change replaces glutamic acid, which is acidic and polar, with aspartic acid, which is acidic and polar, at codon 804 of the FGFR1 protein (p.Glu804Asp). This variant is not present in population databases (gnomAD no frequency). This variant has not been reported in the literature in individuals affected with FGFR1-related conditions. Invitae Evidence Modeling of protein sequence and biophysical properties (such as structural, functional, and spatial information, amino acid conservation, physicochemical variation, residue mobility, and thermodynamic stability) has been performed for this missense variant. However, the output from this modeling did not meet the statistical confidence thresholds required to predict the impact of this variant on FGFR1 protein function. In summary, the available evidence is currently insufficient to determine the role of this variant in disease. Therefore, it has been classified as a Variant of Uncertain Significance.

NM_023110.3(FGFR1):c.2412G>T (p.Glu804Asp)

Gene: FGFR1 (fibroblast growth factor receptor 1; minus strand). Cytogenetic location: 8p11.23.
Variant type: single nucleotide variant.
Coding change: c.2412G>T on transcript NM_023110.3 (MANE Select); coding-DNA position 2412, G replaced by T.
Protein change: p.Glu804Asp; replaces glutamic acid 804 with aspartic acid.
Molecular consequence: missense variant. On other transcripts: intron variant (3).
Genome position (GRCh38, 1-based): chr8:38,413,685, C>A on the plus strand (G>T on the coding strand, the complement: FGFR1 is on the minus strand). VCF-style: chr8-38413685-C-A. GRCh37 (hg19) VCF-style: chr8-38271203-C-A.
Other names: c.2406G>T, p.Glu802Asp (NM_001174063.2, NM_001174065.2, NM_015850.4); c.2382G>T, p.Glu794Asp (NM_001174064.2); c.2145G>T, p.Glu715Asp (NM_001174066.2, NM_023105.3); c.2505G>T, p.Glu835Asp (NM_001174067.2); c.2133G>T, p.Glu711Asp (NM_001354368.2); c.2400G>T, p.Glu800Asp (NM_001410922.1); c.2139G>T, p.Glu713Asp (NM_023106.3); c.2019+233G>T (NM_001354370.2); and 2 more; short protein forms E711D, E713D, E715D, E794D, E800D, E802D, E804D, E835D.
Identifiers: ClinVar variation 3754219 (VCV003754219.2).